The following is an entry in ClinVar:

NM_004380.3(CREBBP):c.6244C>T (p.Gln2082Ter)

Gene: CREBBP (CREB binding lysine acetyltransferase; minus strand). Cytogenetic location: 16p13.3.
Variant type: single nucleotide variant.
Coding change: c.6244C>T on transcript NM_004380.3 (MANE Select); coding-DNA position 6244, C replaced by T.
Protein change: p.Gln2082Ter; replaces glutamine 2082 with a stop codon.
Molecular consequence: nonsense.
Genome position (GRCh38, 1-based): chr16:3,728,803, G>A on the plus strand (C>T on the coding strand, the complement: CREBBP is on the minus strand). VCF-style: chr16-3728803-G-A. GRCh37 (hg19) VCF-style: chr16-3778804-G-A.
Other names: c.6130C>T, p.Gln2044Ter (NM_001079846.1); short protein forms Q2082*, Q2044*.
Identifiers: ClinVar variation 373943 (VCV000373943.20), dbSNP rs1057518789, ClinGen allele CA16043513.

ClinVar aggregate classification (germline): Pathogenic. Review status: criteria provided, single submitter (1 of 4 stars). 3 submissions from 3 submitters: Pathogenic (1). 2 of the submissions do not count toward it. Last evaluated 2019-08-12.

Conditions:
Rubinstein-Taybi syndrome due to CREBBP mutations (RSTS1). Also called: BROAD THUMB-HALLUX SYNDROME; CREBBP-Related Rubinstein-Taybi Syndrome; Rubinstein-Taybi syndrome 1; RUBINSTEIN-TAYBI SYNDROME 1, INCOMPLETE; BROAD THUMBS AND GREAT TOES, CHARACTERISTIC FACIES, AND IMPAIRED INTELLECTUAL DEVELOPMENT; RUBINSTEIN SYNDROME. Identifiers: Orphanet 353277, Orphanet 783, MedGen C4551859, MONDO:0008393, OMIM 180849.
Scoliosis. Identifiers: MedGen C0036439, MONDO:0005392, HP:0002650.
Global developmental delay (DD). Also called: Cognitive delay. Identifiers: MedGen C0557874, HP:0001263. Disease mechanism: loss of function.

Submissions (3):

GeneDx
Classification: Pathogenic. Last evaluated: 2019-08-12. Review status: criteria provided, single submitter. Criteria: GeneDx Variant Classification Process June 2021. Collection method: clinical testing. Allele origin: germline. Affected: yes.
Comment: Nonsense variant in the C-terminus predicted to result in protein truncation, as the last361 amino acids are lost, and other loss-of-function variants have been reported downstream (Stenson et al., 2014); Not observed in large population cohorts (Lek et al., 2016); Has not been previously published as pathogenic or benign to our knowledge; This variant is associated with the following publications: (PMID: 31623504)

Clinical Laboratory Sciences Program (CLSP), King Saud bin Abdulaziz University for Health Sciences (KSAU-HS)
Classification: Pathogenic for Rubinstein-Taybi syndrome due to CREBBP mutations. Last evaluated: 2023-04-01. Review status: no assertion criteria provided. Collection method: clinical testing. Allele origin: germline. Affected: yes. Not counted in ClinVar's aggregate classification.

Centre for Mendelian Genomics, University Medical Centre Ljubljana
Classification: Likely pathogenic for Global developmental delay; Scoliosis. Last evaluated: 2016-04-18. Review status: no assertion criteria provided. Collection method: clinical testing. Allele origin: unknown. Affected: yes. Not counted in ClinVar's aggregate classification.